The following is an entry in ClinVar:

NM_005372.1(MOS):c.596A>T (p.His199Leu)

Gene: MOS (MOS proto-oncogene, serine/threonine kinase; minus strand). Cytogenetic location: 8q12.1.
Variant type: single nucleotide variant.
Coding change: c.596A>T on transcript NM_005372.1 (MANE Select); coding-DNA position 596, A replaced by T.
Protein change: p.His199Leu; replaces histidine 199 with leucine.
Molecular consequence: missense variant.
Genome position (GRCh38, 1-based): chr8:56,113,387, T>A on the plus strand (A>T on the coding strand, the complement: MOS is on the minus strand). VCF-style: chr8-56113387-T-A. GRCh37 (hg19) VCF-style: chr8-57025946-T-A.
Other names: short protein forms H199L.
Identifiers: ClinVar variation 2502333 (VCV002502333.3), dbSNP rs930795508, ClinGen allele CA371289825.

ClinVar aggregate classification (germline): Uncertain significance. Review status: criteria provided, single submitter (1 of 4 stars). 2 submissions from 2 submitters: Uncertain significance (1). 1 of the submissions does not count toward it.

Conditions:
Oocyte/zygote/embryo maturation arrest 20 (OZEMA20). Identifiers: MedGen C5830539, MONDO:0957278, OMIM 620383.

Allele frequency attached by ClinVar (database versions not stated): gnomAD exomes below 0.00001.

Submissions (2):

Juno Genomics, Hangzhou Juno Genomics, Inc
Classification: Uncertain significance for Oocyte/zygote/embryo maturation arrest 20. Review status: criteria provided, single submitter. Criteria: ACMG Guidelines, 2015. Collection method: clinical testing. Allele origin: germline. Affected: yes.
Comment: Absent from controls (or at extremely low frequency if recessive) in Genome Aggregation Database, Exome Sequencing Project, 1000 Genomes Project, or Exome Aggregation Consortium.;Patient's phenotype or family history is highly specific for a disease with a single genetic etiology.;Well-established in vitro or in vivo functional studies supportive of a damaging effect on the gene or gene product.

OMIM
Classification: Pathogenic for OOCYTE/ZYGOTE/EMBRYO MATURATION ARREST 20. Last evaluated: 2023-05-17. Review status: no assertion criteria provided. Collection method: literature only. Allele origin: germline. Not counted in ClinVar's aggregate classification.

Literature cited by the submitters: PubMed 35670744 (cited by OMIM).